The following is an entry in ClinVar:

NM_052947.4(ALPK2):c.3618G>C (p.Gln1206His)

Gene: ALPK2 (alpha kinase 2; minus strand). Cytogenetic location: 18q21.31.
Variant type: single nucleotide variant.
Coding change: c.3618G>C on transcript NM_052947.4 (MANE Select); coding-DNA position 3618, G replaced by C.
Protein change: p.Gln1206His; replaces glutamine 1206 with histidine.
Molecular consequence: missense variant.
Genome position (GRCh38, 1-based): chr18:58,536,569, C>G on the plus strand (G>C on the coding strand, the complement: ALPK2 is on the minus strand). VCF-style: chr18-58536569-C-G. GRCh37 (hg19) VCF-style: chr18-56203801-C-G.
Other names: short protein forms Q1206H.
Identifiers: ClinVar variation 1733285 (VCV001733285.2), dbSNP rs2518876226, ClinGen allele CA402566308.

ClinVar aggregate classification (germline): Uncertain significance (1 of 4 stars; one submission).

Submission:

Ambry Genetics
Classification: Uncertain significance. Last evaluated: 2024-03-14. Review status: criteria provided, single submitter. Criteria: Ambry Variant Classification Scheme 2023. Collection method: clinical testing. Allele origin: germline.
Comment: The p.Q1206H variant (also known as c.3618G>C), located in coding exon 4 of the ALPK2 gene, results from a G to C substitution at nucleotide position 3618. The glutamine at codon 1206 is replaced by histidine, an amino acid with highly similar properties. This amino acid position is conserved. In addition, this alteration is predicted to be tolerated by in silico analysis. Since supporting evidence is limited at this time, the clinical significance of this alteration remains unclear.